The following is an entry in ClinVar:

ClinVar aggregate classification (germline): Uncertain significance (1 of 4 stars; one submission).

Allele frequency attached by ClinVar (database versions not stated): gnomAD exomes below 0.00001.
gnomAD v4.1: 3 of 1,550,368 alleles (0.00019%); highest among the groups gnomAD compares: Admixed American, 0.002%; no homozygotes.

Submission:

GeneDx
Classification: Uncertain significance. Last evaluated: 2022-11-28. Review status: criteria provided, single submitter. Criteria: GeneDx Variant Classification Process June 2021. Collection method: clinical testing. Allele origin: germline. Affected: yes.
Comment: Has not been previously published as pathogenic or benign to our knowledge; Not observed at significant frequency in large population cohorts (gnomAD); In silico analysis supports that this missense variant does not alter protein structure/function

NM_001134363.3(RBM20):c.1528T>C (p.Phe510Leu)

Gene: RBM20 (RNA binding motif protein 20; plus strand). Cytogenetic location: 10q25.2.
Variant type: single nucleotide variant.
Coding change: c.1528T>C on transcript NM_001134363.3 (MANE Select); coding-DNA position 1528, T replaced by C.
Protein change: p.Phe510Leu; replaces phenylalanine 510 with leucine.
Molecular consequence: missense variant.
Genome position (GRCh38, 1-based): chr10:110,797,508, T>C. VCF-style: chr10-110797508-T-C. GRCh37 (hg19) VCF-style: chr10-112557266-T-C.
Other names: short protein forms F510L.
Identifiers: ClinVar variation 2503407 (VCV002503407.1), dbSNP rs1232806059, ClinGen allele CA378389931.